The following is an entry in ClinVar:

NM_000245.4(MET):c.2882T>G (p.Ile961Ser)

Gene: MET (MET proto-oncogene, receptor tyrosine kinase; plus strand). Cytogenetic location: 7q31.2.
Variant type: single nucleotide variant.
Coding change: c.2882T>G on transcript NM_000245.4 (MANE Select); coding-DNA position 2882, T replaced by G.
Protein change: p.Ile961Ser; replaces isoleucine 961 with serine.
Molecular consequence: missense variant.
Genome position (GRCh38, 1-based): chr7:116,771,649, T>G. VCF-style: chr7-116771649-T-G. GRCh37 (hg19) VCF-style: chr7-116411703-T-G.
Other names: c.2936T>G, p.Ile979Ser (NM_001127500.3); c.1592T>G, p.Ile531Ser (NM_001324402.2); short protein forms I531S, I961S, I979S.
Identifiers: ClinVar variation 4106745 (VCV004106745.2).
Genomic context (GRCh38, chr7:116,771,649, plus strand): 5'-TATCAACAGCACTGTTATTACTACTTGGGTTTTTCCTGTGGCTGAAAAAGAGAAAGCAAA[T>G]TAAAGGTGCATTTTTGTTACTGTTCATTTTTAGAAGTTACCTTAAGAACACAGTCATTAC-3'
Protein context (NP_000236.2, residues 951-971): FFLWLKKRKQ[Ile961Ser]KDLGSELVRY

ClinVar aggregate classification (germline): Uncertain significance. Review status: criteria provided, multiple submitters, no conflicts (2 of 4 stars). 2 submissions from 2 submitters: Uncertain significance (2). Last evaluated 2025-06-30.

Conditions:
Renal cell carcinoma. Identifiers: Orphanet 217071, MedGen C0007134, MeSH D002292, MONDO:0005086, HP:0005584.
Hereditary cancer-predisposing syndrome. Also called: Tumor predisposition; Neoplastic Syndromes, Hereditary; Hereditary neoplastic syndrome; Hereditary Cancer Syndrome. Identifiers: Orphanet 140162, MedGen C0027672, MeSH D009386, MONDO:0015356.

Submissions (2):

Ambry Genetics
Classification: Uncertain significance for Hereditary cancer-predisposing syndrome. Last evaluated: 2025-06-30. Review status: criteria provided, single submitter. Criteria: Ambry Variant Classification Scheme 2023. Collection method: clinical testing. Allele origin: germline.
Comment: The p.I979S variant (also known as c.2936T>G), located in coding exon 12 of the MET gene, results from a T to G substitution at nucleotide position 2936. The isoleucine at codon 979 is replaced by serine, an amino acid with dissimilar properties. This amino acid position is well conserved in available vertebrate species. In addition, the in silico prediction for this alteration is inconclusive. Based on the available evidence, the clinical significance of this variant remains unclear.

Labcorp Genetics (formerly Invitae), Labcorp
Classification: Uncertain significance for Renal cell carcinoma. Last evaluated: 2025-04-08. Review status: criteria provided, single submitter. Criteria: Invitae Variant Classification Sherloc (09022015). Collection method: clinical testing. Allele origin: germline.
Comment: This sequence change replaces isoleucine, which is neutral and non-polar, with serine, which is neutral and polar, at codon 979 of the MET protein (p.Ile979Ser). This variant is not present in population databases (gnomAD no frequency). This variant has not been reported in the literature in individuals affected with MET-related conditions. Invitae Evidence Modeling of protein sequence and biophysical properties (such as structural, functional, and spatial information, amino acid conservation, physicochemical variation, residue mobility, and thermodynamic stability) indicates that this missense variant is not expected to disrupt MET protein function with a negative predictive value of 80%. Algorithms developed to predict the effect of sequence changes on RNA splicing suggest that this variant may create or strengthen a splice site. In summary, the available evidence is currently insufficient to determine the role of this variant in disease. Therefore, it has been classified as a Variant of Uncertain Significance.